The following is an entry in ClinVar:

NM_177531.6(PKHD1L1):c.10251C>A (p.Thr3417=)

Gene: PKHD1L1 (PKHD1 like 1; plus strand). Cytogenetic location: 8q23.1.
Variant type: single nucleotide variant.
Coding change: c.10251C>A on transcript NM_177531.6 (MANE Select); coding-DNA position 10251, C replaced by A.
Protein change: p.Thr3417=; no amino-acid change (threonine 3417 retained).
Molecular consequence: synonymous variant.
Genome position (GRCh38, 1-based): chr8:109,493,675, C>A. VCF-style: chr8-109493675-C-A. GRCh37 (hg19) VCF-style: chr8-110505904-C-A.
Identifiers: ClinVar variation 2658751 (VCV002658751.24), dbSNP rs748343377, ClinGen allele CA4846562.

ClinVar aggregate classification (germline): Likely benign (1 of 4 stars; one submission).

Allele frequency attached by ClinVar (database versions not stated): TOPMed below 0.00001; gnomAD 0.00001; gnomAD exomes 0.00002; ExAC 0.00003.
gnomAD v4.1: 27 of 1,603,226 alleles (0.0017%); highest among the groups gnomAD compares: South Asian, 0.026%; no homozygotes.

Submission:

CeGaT Center for Human Genetics Tuebingen
Classification: Likely benign. Last evaluated: 2022-10-01. Review status: criteria provided, single submitter. Criteria: CeGaT Center For Human Genetics Tuebingen Variant Classification Criteria Version 2. Collection method: clinical testing. Allele origin: germline. Affected: yes. Observed: 1 variant allele.
Comment: PKHD1L1: BP4, BP7